The following is an entry in ClinVar:

NM_003098.3(SNTA1):c.1340G>A (p.Arg447Gln)

Gene: SNTA1 (syntrophin alpha 1; minus strand). Cytogenetic location: 20q11.21.
Variant type: single nucleotide variant.
Coding change: c.1340G>A on transcript NM_003098.3 (MANE Select); coding-DNA position 1340, G replaced by A.
Protein change: p.Arg447Gln; replaces arginine 447 with glutamine.
Molecular consequence: missense variant.
Genome position (GRCh38, 1-based): chr20:33,408,786, C>T on the plus strand (G>A on the coding strand, the complement: SNTA1 is on the minus strand). VCF-style: chr20-33408786-C-T. GRCh37 (hg19) VCF-style: chr20-31996592-C-T.
Other names: c.1340G>A (NM_003098.2); short protein forms R447Q.
Identifiers: ClinVar variation 1023617 (VCV001023617.10), dbSNP rs752729935, ClinGen allele CA9816978.

ClinVar aggregate classification (germline): Conflicting classifications of pathogenicity. Review status: criteria provided, conflicting classifications (1 of 4 stars). 3 submissions from 3 submitters: Uncertain significance (2); Likely benign (1). Last evaluated 2026-01-27.

Conditions:
Cardiovascular phenotype. Identifiers: MedGen CN230736.
Long QT syndrome (LQTS). Identifiers: MedGen C0023976, MeSH D008133, MONDO:0002442. Disease mechanism: loss of function. Inheritance: Various modes of inheritance.
Long QT syndrome 12 (LQT12). Identifiers: Orphanet 101016, Orphanet 768, MedGen C2751830, MONDO:0013062, OMIM 612955.

Allele frequency attached by ClinVar (database versions not stated): gnomAD exomes 0.00002; ExAC 0.00003; gnomAD 0.00004; TOPMed 0.00006.
gnomAD v4.1: 36 of 1,613,976 alleles (0.0022%); highest among the groups gnomAD compares: African/African-American, 0.0067%; no homozygotes.

Submissions (3):

Labcorp Genetics (formerly Invitae), Labcorp
Classification: Uncertain significance for Long QT syndrome. Last evaluated: 2026-01-27. Review status: criteria provided, single submitter. Criteria: Invitae Variant Classification Sherloc (09022015). Collection method: clinical testing. Allele origin: germline.
Comment: This sequence change replaces arginine, which is basic and polar, with glutamine, which is neutral and polar, at codon 447 of the SNTA1 protein (p.Arg447Gln). This variant is present in population databases (rs752729935, gnomAD 0.02%). This variant has not been reported in the literature in individuals affected with SNTA1-related conditions. ClinVar contains an entry for this variant (Variation ID: 1023617). Invitae Evidence Modeling of protein sequence and biophysical properties (such as structural, functional, and spatial information, amino acid conservation, physicochemical variation, residue mobility, and thermodynamic stability) indicates that this missense variant is not expected to disrupt SNTA1 protein function with a negative predictive value of 80%. In summary, the available evidence is currently insufficient to determine the role of this variant in disease. Therefore, it has been classified as a Variant of Uncertain Significance.

Ambry Genetics
Classification: Likely benign for Cardiovascular phenotype. Last evaluated: 2023-12-27. Review status: criteria provided, single submitter. Criteria: Ambry Variant Classification Scheme 2023. Collection method: clinical testing. Allele origin: germline.

Fulgent Genetics
Classification: Uncertain significance for Long QT syndrome 12. Last evaluated: 2021-08-11. Review status: criteria provided, single submitter. Criteria: ACMG Guidelines, 2015. Collection method: clinical testing. Allele origin: unknown.